The following is an entry in ClinVar:

ClinVar aggregate classification (germline): Uncertain significance (1 of 4 stars; one submission).

Submission:

ARUP Laboratories, Molecular Genetics and Genomics, ARUP Laboratories
Classification: Uncertain significance. Last evaluated: 2023-12-19. Review status: criteria provided, single submitter. Criteria: ARUP Molecular Germline Variant Investigation Process 2024. Collection method: clinical testing. Allele origin: germline.
Comment: The TTN c.54343G>C; p.Glu18115Gln variant is rare in the general population (<0.2% allele frequency in the Genome Aggregation Database) and has not been reported in the medical literature in association with dilated cardiomyopathy (DCM) or other TTN-related disease. The clinical relevance of rare missense variants in this gene, which are identified on average once per individual sequenced in affected populations (Herman 2012), is not well understood. Yet, evidence suggests that the vast majority of such missense variants do not contribute to the clinical outcome of DCM (Begay 2015). Thus, the clinical significance of the p.Glu18115Gln variant cannot be determined with certainty.

NM_001267550.2(TTN):c.54343G>C (p.Glu18115Gln)

Genes: TTN (titin; minus strand), TTN-AS1 (TTN antisense RNA 1; plus strand). Cytogenetic location: 2q31.2.
Variant type: single nucleotide variant.
Coding change: c.54343G>C on transcript NM_001267550.2 (MANE Select); coding-DNA position 54343, G replaced by C.
Protein change: p.Glu18115Gln; replaces glutamic acid 18115 with glutamine.
Molecular consequence: missense variant. On other transcripts: non-coding transcript variant (1).
Genome position (GRCh38, 1-based): chr2:178,604,746, C>G on the plus strand (G>C on the coding strand, the complement: TTN is on the minus strand). VCF-style: chr2-178604746-C-G. GRCh37 (hg19) VCF-style: chr2-179469473-C-G.
Other names: c.49420G>C, p.Glu16474Gln (NM_001256850.1); c.27148G>C, p.Glu9050Gln (NM_003319.4); c.46639G>C, p.Glu15547Gln (NM_133378.4); c.27523G>C, p.Glu9175Gln (NM_133432.3); c.27724G>C, p.Glu9242Gln (NM_133437.4); short protein forms E15547Q, E16474Q, E18115Q, E9050Q, E9175Q, E9242Q.
Identifiers: ClinVar variation 3767042 (VCV003767042.1).